The following is an entry in ClinVar:

NM_018139.3(DNAAF2):c.788T>C (p.Val263Ala)

Gene: DNAAF2 (dynein axonemal assembly factor 2; minus strand). Cytogenetic location: 14q21.3.
Variant type: single nucleotide variant.
Coding change: c.788T>C on transcript NM_018139.3 (MANE Select); coding-DNA position 788, T replaced by C.
Protein change: p.Val263Ala; replaces valine 263 with alanine.
Molecular consequence: missense variant.
Genome position (GRCh38, 1-based): chr14:49,634,362, A>G on the plus strand (T>C on the coding strand, the complement: DNAAF2 is on the minus strand). VCF-style: chr14-49634362-A-G. GRCh37 (hg19) VCF-style: chr14-50101080-A-G.
Other names: c.788T>C, p.Val263Ala (NM_001083908.2); short protein forms V263A.
Identifiers: ClinVar variation 579695 (VCV000579695.6), dbSNP rs564215636, ClinGen allele CA7173028.

ClinVar aggregate classification (germline): Uncertain significance (1 of 4 stars; one submission).

Conditions:
Primary ciliary dyskinesia. Also called: Ciliary dyskinesia. Identifiers: Orphanet 244, MedGen C0008780, MONDO:0016575, HP:0012265.

Allele frequency attached by ClinVar (database versions not stated): gnomAD exomes below 0.00001; ExAC 0.00001; gnomAD 0.00001 and 0.00002; TOPMed 0.00002; 1000 Genomes Project 30x 0.00016; 1000 Genomes Project 0.00020.
gnomAD v4.1: 4 of 1,607,976 alleles (0.00025%); highest among the groups gnomAD compares: African/African-American, 0.0053%; no homozygotes.

Submission:

Labcorp Genetics (formerly Invitae), Labcorp
Classification: Uncertain significance for Primary ciliary dyskinesia. Last evaluated: 2022-08-15. Review status: criteria provided, single submitter. Criteria: Invitae Variant Classification Sherloc (09022015). Collection method: clinical testing. Allele origin: germline.
Comment: This sequence change replaces valine, which is neutral and non-polar, with alanine, which is neutral and non-polar, at codon 263 of the DNAAF2 protein (p.Val263Ala). The frequency data for this variant in the population databases is considered unreliable, as metrics indicate poor data quality at this position in the gnomAD database. This variant has not been reported in the literature in individuals affected with DNAAF2-related conditions. ClinVar contains an entry for this variant (Variation ID: 579695). Algorithms developed to predict the effect of missense changes on protein structure and function are either unavailable or do not agree on the potential impact of this missense change (SIFT: "Deleterious"; PolyPhen-2: "Probably Damaging"; Align-GVGD: "Class C0"). In summary, the available evidence is currently insufficient to determine the role of this variant in disease. Therefore, it has been classified as a Variant of Uncertain Significance.